The following is an entry in ClinVar:

ClinVar aggregate classification (germline): Uncertain significance (1 of 4 stars; one submission).

Conditions:
Hereditary cancer-predisposing syndrome. Also called: Neoplastic Syndromes, Hereditary; Tumor predisposition; Hereditary neoplastic syndrome; Hereditary Cancer Syndrome. Identifiers: Orphanet 140162, MedGen C0027672, MeSH D009386, MONDO:0015356.

Submission:

Ambry Genetics
Classification: Uncertain significance for Hereditary cancer-predisposing syndrome. Last evaluated: 2026-07-07. Review status: criteria provided, single submitter. Criteria: Ambry Variant Classification Scheme 2023. Collection method: clinical testing. Allele origin: germline.
Comment: The p.R339G variant (also known as c.1015C>G), located in coding exon 8 of the SUFU gene, results from a C to G substitution at nucleotide position 1015. The arginine at codon 339 is replaced by glycine, an amino acid with dissimilar properties. This amino acid position is conserved. In addition, the in silico prediction for this alteration is inconclusive. Based on the available evidence, the clinical significance of this variant remains unclear.

NM_016169.4(SUFU):c.1015C>G (p.Arg339Gly)

Gene: SUFU (SUFU negative regulator of hedgehog signaling; plus strand). Cytogenetic location: 10q24.32.
Variant type: single nucleotide variant.
Coding change: c.1015C>G on transcript NM_016169.4 (MANE Select); coding-DNA position 1015, C replaced by G.
Protein change: p.Arg339Gly; replaces arginine 339 with glycine.
Molecular consequence: missense variant.
Genome position (GRCh38, 1-based): chr10:102,599,537, C>G. VCF-style: chr10-102599537-C-G. GRCh37 (hg19) VCF-style: chr10-104359294-C-G.
Other names: c.1015C>G, p.Arg339Gly (NM_001178133.2); short protein forms R339G.
Identifiers: ClinVar variation 5030417 (VCV005030417.1).